The following is an entry in ClinVar:

NM_023110.3(FGFR1):c.1550A>C (p.Lys517Thr)

Gene: FGFR1 (fibroblast growth factor receptor 1; minus strand). Cytogenetic location: 8p11.23.
Variant type: single nucleotide variant.
Coding change: c.1550A>C on transcript NM_023110.3 (MANE Select); coding-DNA position 1550, A replaced by C.
Protein change: p.Lys517Thr; replaces lysine 517 with threonine.
Molecular consequence: missense variant.
Genome position (GRCh38, 1-based): chr8:38,417,872, T>G on the plus strand (A>C on the coding strand, the complement: FGFR1 is on the minus strand). VCF-style: chr8-38417872-T-G. GRCh37 (hg19) VCF-style: chr8-38275390-T-G.
Other names: c.1550A>C, p.Lys517Thr (NM_000604.2); c.1544A>C, p.Lys515Thr (NM_001174063.2, NM_001174065.2, NM_001354367.2 and 1 more transcripts); c.1520A>C, p.Lys507Thr (NM_001174064.2); c.1283A>C, p.Lys428Thr (NM_001174066.2, NM_023105.3); c.1643A>C, p.Lys548Thr (NM_001174067.2); c.1271A>C, p.Lys424Thr (NM_001354368.2); c.1538A>C, p.Lys513Thr (NM_001354369.2, NM_001410922.1); c.1277A>C, p.Lys426Thr (NM_001354370.2, NM_023106.3); short protein forms K424T, K426T, K428T, K507T, K513T, K515T, K517T, K548T.
Identifiers: ClinVar variation 2444412 (VCV002444412.8), dbSNP rs2150647744, ClinGen allele CA370732911.
Genomic context (GRCh38, chr8:38,417,872, plus strand): 5'-CTGCTGTTTGCTTGGAATGGGACAAGATTTTCTTTGCAAGGACAGAAGCATCACTTACAC[T>G]TCAACATCTTCACAGCCACTTTGGTCACACGGTTGGGTTTGTCCTTGTCCAGCCCGATAG-3'
Protein context (NP_075598.2, residues 507-527): RVTKVAVKML[Lys517Thr]SDATEKDLSD

ClinVar aggregate classification (germline): Conflicting classifications of pathogenicity. Review status: criteria provided, conflicting classifications (1 of 4 stars). 2 submissions from 2 submitters: Likely pathogenic (1); Uncertain significance (1). Last evaluated 2025-09-01.

Conditions:
Hartsfield-Bixler-Demyer syndrome (HRTFDS). Also called: Hartsfield syndrome; Holoprosencephaly, ectrodactyly, and bilateral cleft lip/palate; FGFR1-Related Hartsfield Syndrome. Identifiers: Orphanet 2117, MedGen C1845146, MONDO:0014196, OMIM 615465. Disease mechanism: loss of function.

Submissions (2):

CeGaT Center for Human Genetics Tuebingen
Classification: Uncertain significance. Last evaluated: 2025-09-01. Review status: criteria provided, single submitter. Criteria: CeGaT Center For Human Genetics Tuebingen Variant Classification Criteria Version 2. Collection method: clinical testing. Allele origin: germline. Affected: yes. Observed: 1 variant allele.
Comment: FGFR1: PM2, PM1:Supporting, PP3

3billion
Classification: Likely pathogenic for Hartsfield-Bixler-Demyer syndrome. Last evaluated: 2023-02-23. Review status: criteria provided, single submitter. Criteria: ACMG Guidelines, 2015. Collection method: clinical testing. Allele origin: unknown. Affected: yes.
Comment: The variant is not observed in the gnomAD v2.1.1 dataset. The variant is located in a mutational hot spot and/or well-established functional domain in which established pathogenic variants have been reported. Missense changes are a common disease-causing mechanism. In silico tool predictions suggest damaging effect of the variant on gene or gene product (REVEL: 0.89). Therefore, this variant is classified as Likely pathogenic according to the recommendation of ACMG/AMP guideline.